The following is an entry in ClinVar:

NM_006440.5(TXNRD2):c.1020G>C (p.Lys340Asn)

Gene: TXNRD2 (thioredoxin reductase 2; minus strand). Cytogenetic location: 22q11.21.
Variant type: single nucleotide variant.
Coding change: c.1020G>C on transcript NM_006440.5 (MANE Select); coding-DNA position 1020, G replaced by C.
Protein change: p.Lys340Asn; replaces lysine 340 with asparagine.
Molecular consequence: missense variant. On other transcripts: non-coding transcript variant (1).
Genome position (GRCh38, 1-based): chr22:19,883,391, C>G on the plus strand (G>C on the coding strand, the complement: TXNRD2 is on the minus strand). VCF-style: chr22-19883391-C-G. GRCh37 (hg19) VCF-style: chr22-19870914-C-G.
Other names: c.1017G>C, p.Lys339Asn (NM_001352300.2); c.930G>C, p.Lys310Asn (NM_001352301.2); c.732G>C, p.Lys244Asn (NM_001352302.2); short protein forms K340N, K310N, K244N, K339N.
Identifiers: ClinVar variation 3464758 (VCV003464758.1).
Genomic context (GRCh38, chr22:19,883,391, plus strand): 5'-CACGTCACCAATGGCGTAGATGTGGGGCACAGAGGTGGCTTCCCGGGAGTCCACCAGGAT[C>G]TTCTGAGTGTCGGGGCTAGTATCTACCCCAGCCTTCTCCAAATTCAGACTTCTGGTGTCT-3'
Protein context (NP_006431.2, residues 330-350): AGVDTSPDTQ[Lys340Asn]ILVDSREATS

ClinVar aggregate classification (germline): Uncertain significance (1 of 4 stars; one submission).

Conditions:
Cardiovascular phenotype. Identifiers: MedGen CN230736.

gnomAD v4.1: 2 of 1,614,086 alleles (0.00012%); highest among the groups gnomAD compares: Non-Finnish European, 0.00017%; no homozygotes.

Submission:

Ambry Genetics
Classification: Uncertain significance for Cardiovascular phenotype. Last evaluated: 2024-11-23. Review status: criteria provided, single submitter. Criteria: Ambry Variant Classification Scheme 2023. Collection method: clinical testing. Allele origin: germline.
Comment: The p.K340N variant (also known as c.1020G>C), located in coding exon 12 of the TXNRD2 gene, results from a G to C substitution at nucleotide position 1020. The lysine at codon 340 is replaced by asparagine, an amino acid with similar properties. This amino acid position is conserved. In addition, this alteration is predicted to be tolerated by in silico analysis. Based on the available evidence, the clinical significance of this variant remains unclear.